The following is an entry in ClinVar:

NM_000179.3(MSH6):c.3491_3492insA (p.Cys1165fs)

Gene: MSH6 (mutS homolog 6; plus strand). Cytogenetic location: 2p16.3.
Variant type: Insertion.
Coding change: c.3491_3492insA on transcript NM_000179.3 (MANE Select); coding-DNA positions 3491 to 3492, A inserted.
Protein change: p.Cys1165fs; shifts the reading frame from cysteine 1165.
Molecular consequence: frameshift variant.
Genome position: GRCh38 VCF-style: chr2-47804962-T-TA. GRCh37 (hg19) VCF-style: chr2-48032101-T-TA.
Other names: c.3101_3102insA, p.Cys1035fs (NM_001281492.2); c.2585_2586insA, p.Cys863fs (NM_001281493.2, NM_001281494.2); short protein forms C1035fs, C1165fs, C863fs.
Identifiers: ClinVar variation 1075669 (VCV001075669.8), dbSNP rs2104506737, ClinGen allele CA2499216129.

ClinVar aggregate classification (germline): Pathogenic (1 of 4 stars; one submission).

Conditions:
Hereditary nonpolyposis colorectal neoplasms. Identifiers: MedGen C0009405, MeSH D003123.

Submission:

Labcorp Genetics (formerly Invitae), Labcorp
Classification: Pathogenic for Hereditary nonpolyposis colorectal neoplasms. Last evaluated: 2020-03-05. Review status: criteria provided, single submitter. Criteria: Invitae Variant Classification Sherloc (09022015). Collection method: clinical testing. Allele origin: germline.
Comment: For these reasons, this variant has been classified as Pathogenic. Loss-of-function variants in MSH6 are known to be pathogenic (PMID: 18269114, 24362816). Algorithms developed to predict the effect of sequence changes on RNA splicing suggest that this variant may create or strengthen a splice site, but this prediction has not been confirmed by published transcriptional studies. This variant has not been reported in the literature in individuals with MSH6-related conditions. This variant is not present in population databases (ExAC no frequency). This sequence change creates a premature translational stop signal (p.Cys1165Valfs*7) in the MSH6 gene. It is expected to result in an absent or disrupted protein product.

Literature cited by the submitters: PubMed 18269114; PubMed 24362816.